The following is an entry in ClinVar:

ClinVar aggregate classification (germline): Likely benign (0 of 4 stars; one submission).

Conditions:
PCNT-related disorder. Also called: PCNT-related condition.

gnomAD v4.1: 3 of 1,607,940 alleles (0.00019%); highest among the groups gnomAD compares: African/African-American, 0.004%; no homozygotes.

Submission:

PreventionGenetics, part of Exact Sciences
Classification: Likely benign for PCNT-related condition. Last evaluated: 2022-04-25. Review status: no assertion criteria provided. Collection method: clinical testing. Allele origin: germline.
Comment: This variant is classified as likely benign based on ACMG/AMP sequence variant interpretation guidelines (Richards et al. 2015 PMID: 25741868, with internal and published modifications).

NM_006031.6(PCNT):c.9975T>C (p.Thr3325=)

Gene: PCNT (pericentrin; plus strand). Cytogenetic location: 21q22.3.
Variant type: single nucleotide variant.
Coding change: c.9975T>C on transcript NM_006031.6 (MANE Select); coding-DNA position 9975, T replaced by C.
Protein change: p.Thr3325=; no amino-acid change (threonine 3325 retained).
Molecular consequence: synonymous variant.
Genome position (GRCh38, 1-based): chr21:46,445,291, T>C. VCF-style: chr21-46445291-T-C. GRCh37 (hg19) VCF-style: chr21-47865204-T-C.
Other names: c.9384T>C, p.Thr3128= (NM_001315529.2).
Identifiers: ClinVar variation 3354426 (VCV003354426.1).